The following is an entry in ClinVar:

NM_002857.4(PEX19):c.532A>G (p.Ile178Val)

Gene: PEX19 (peroxisomal biogenesis factor 19; minus strand). Cytogenetic location: 1q23.2.
Variant type: single nucleotide variant.
Coding change: c.532A>G on transcript NM_002857.4 (MANE Select); coding-DNA position 532, A replaced by G.
Protein change: p.Ile178Val; replaces isoleucine 178 with valine.
Molecular consequence: missense variant. On other transcripts: non-coding transcript variant (2).
Genome position (GRCh38, 1-based): chr1:160,282,101, T>C on the plus strand (A>G on the coding strand, the complement: PEX19 is on the minus strand). VCF-style: chr1-160282101-T-C. GRCh37 (hg19) VCF-style: chr1-160251891-T-C.
Other names: c.532A>G, p.Ile178Val (NM_001193644.1); short protein forms I178V.
Identifiers: ClinVar variation 1351429 (VCV001351429.6), dbSNP rs2101802538, ClinGen allele CA343260118.

ClinVar aggregate classification (germline): Uncertain significance (1 of 4 stars; one submission).

Conditions:
Peroxisome biogenesis disorder 12A (Zellweger). Also called: Peroxisome biogenesis disorder 12A. Identifiers: Orphanet 912, MedGen C3554002, MONDO:0013951, OMIM 614886.

Allele frequency attached by ClinVar (database versions not stated): gnomAD exomes below 0.00001.
gnomAD v4.1: 1 of 1,614,042 alleles (0.000062%); highest among the groups gnomAD compares: Non-Finnish European, 0.000085%; no homozygotes.

Submission:

Labcorp Genetics (formerly Invitae), Labcorp
Classification: Uncertain significance for Peroxisome biogenesis disorder 12A (Zellweger). Last evaluated: 2021-12-07. Review status: criteria provided, single submitter. Criteria: Invitae Variant Classification Sherloc (09022015). Collection method: clinical testing. Allele origin: germline.
Comment: In summary, the available evidence is currently insufficient to determine the role of this variant in disease. Therefore, it has been classified as a Variant of Uncertain Significance. This sequence change replaces isoleucine, which is neutral and non-polar, with valine, which is neutral and non-polar, at codon 178 of the PEX19 protein (p.Ile178Val). This variant is not present in population databases (gnomAD no frequency). This variant has not been reported in the literature in individuals affected with PEX19-related conditions. Algorithms developed to predict the effect of missense changes on protein structure and function (SIFT, PolyPhen-2, Align-GVGD) all suggest that this variant is likely to be tolerated.